The following is an entry in ClinVar:

NM_014946.4(SPAST):c.1220G>A (p.Ser407Asn)

Gene: SPAST (spastin; plus strand). Cytogenetic location: 2p22.3.
Variant type: single nucleotide variant.
Coding change: c.1220G>A on transcript NM_014946.4 (MANE Select); coding-DNA position 1220, G replaced by A.
Protein change: p.Ser407Asn; replaces serine 407 with asparagine.
Molecular consequence: missense variant.
Genome position (GRCh38, 1-based): chr2:32,128,454, G>A. VCF-style: chr2-32128454-G-A. GRCh37 (hg19) VCF-style: chr2-32353523-G-A.
Other names: c.1217G>A, p.Ser406Asn (NM_001363823.2); c.1121G>A, p.Ser374Asn (NM_001363875.2); c.1124G>A, p.Ser375Asn (NM_001377959.1, NM_199436.2); short protein forms S375N, S407N, S374N, S406N.
Identifiers: ClinVar variation 665622 (VCV000665622.11), dbSNP rs1573142616, ClinGen allele CA346501463.

ClinVar aggregate classification (germline): Pathogenic/Likely pathogenic. Review status: criteria provided, multiple submitters, no conflicts (2 of 4 stars). 2 submissions from 2 submitters: Pathogenic (1); Likely pathogenic (1). Last evaluated 2024-02-24.

Conditions:
Hereditary spastic paraplegia 4. Also called: Spastic paraplegia 4, autosomal dominant; Spastic Paraplegia 4; Familial spastic paraplegia autosomal dominant 2. Identifiers: Orphanet 100985, MedGen C1866855, MONDO:0008438, OMIM 182601.

Submissions (2):

Labcorp Genetics (formerly Invitae), Labcorp
Classification: Likely pathogenic for Hereditary spastic paraplegia 4. Last evaluated: 2024-02-24. Review status: criteria provided, single submitter. Criteria: Invitae Variant Classification Sherloc (09022015). Collection method: clinical testing. Allele origin: germline.
Comment: This sequence change replaces serine, which is neutral and polar, with asparagine, which is neutral and polar, at codon 407 of the SPAST protein (p.Ser407Asn). This variant is not present in population databases (gnomAD no frequency). This missense change has been observed in individual(s) with clinical features of hereditary spastic paraplegia (PMID: 34816117; Invitae). In at least one individual the variant was observed to be de novo. ClinVar contains an entry for this variant (Variation ID: 665622). Advanced modeling of protein sequence and biophysical properties (such as structural, functional, and spatial information, amino acid conservation, physicochemical variation, residue mobility, and thermodynamic stability) performed at Invitae indicates that this missense variant is not expected to disrupt SPAST protein function with a negative predictive value of 80%. This variant disrupts the p.Ser407 amino acid residue in SPAST. Other variant(s) that disrupt this residue have been observed in individuals with SPAST-related conditions (PMID: 12124993, 20562464), which suggests that this may be a clinically significant amino acid residue. In summary, the currently available evidence indicates that the variant is pathogenic, but additional data are needed to prove that conclusively. Therefore, this variant has been classified as Likely Pathogenic.

GeneDx
Classification: Pathogenic. Last evaluated: 2023-10-18. Review status: criteria provided, single submitter. Criteria: GeneDx Variant Classification Process June 2021. Collection method: clinical testing. Allele origin: germline. Affected: yes.
Comment: Not observed at significant frequency in large population cohorts (gnomAD); In silico analysis supports that this missense variant has a deleterious effect on protein structure/function; This variant is associated with the following publications: (PMID: 34816117, 35487127, 21139634, 26094131)

Literature cited by the submitters: PubMed 34816117 (cited by Labcorp Genetics (formerly Invitae), Labcorp); PubMed 12124993 (cited by Labcorp Genetics (formerly Invitae), Labcorp); PubMed 20562464 (cited by Labcorp Genetics (formerly Invitae), Labcorp).